The following is an entry in ClinVar:

NM_001374736.1(DST):c.2269C>T (p.Arg757Cys)

Gene: DST (dystonin; minus strand). Cytogenetic location: 6p12.1.
Variant type: single nucleotide variant.
Coding change: c.2269C>T on transcript NM_001374736.1 (MANE Select); coding-DNA position 2269, C replaced by T.
Protein change: p.Arg757Cys; replaces arginine 757 with cysteine.
Molecular consequence: missense variant.
Genome position (GRCh38, 1-based): chr6:56,640,364, G>A on the plus strand (C>T on the coding strand, the complement: DST is on the minus strand). VCF-style: chr6-56640364-G-A. GRCh37 (hg19) VCF-style: chr6-56505162-G-A.
Other names: c.658C>T, p.Arg220Cys (NM_015548.5, NM_001723.7); c.1636C>T, p.Arg546Cys (NM_183380.4, NM_001374729.1, NM_001374730.1 and 1 more transcripts); c.2170C>T, p.Arg724Cys (NM_001144769.5); c.1756C>T, p.Arg586Cys (NM_001144770.2); c.2269C>T, p.Arg757Cys (NM_001374722.1); c.2296C>T, p.Arg766Cys (NM_001374734.1); short protein forms R724C, R546C, R586C, R220C, R757C, R766C.
Identifiers: ClinVar variation 643670 (VCV000643670.7), dbSNP rs758942872, ClinGen allele CA3871461.

ClinVar aggregate classification (germline): Uncertain significance. Review status: criteria provided, multiple submitters, no conflicts (2 of 4 stars). 3 submissions from 3 submitters: Uncertain significance (3). Last evaluated 2026-06-15.

Conditions:
Hereditary sensory and autonomic neuropathy type 6. Also called: HSAN VI; Neuropathy, hereditary sensory and autonomic, type VI. Identifiers: Orphanet 314381, MedGen C3539003, MONDO:0013839, OMIM 614653.
Epidermolysis bullosa simplex 3, localized or generalized intermediate, with BP230 deficiency (EBS3). Also called: Epidermolysis bullosa simplex, autosomal recessive 2; Epidermolysis bullosa simplex due to BP230 deficiency. Identifiers: Orphanet 412181, MedGen C3809470, MONDO:0014180, OMIM 615425.
Inborn genetic diseases. Identifiers: MedGen C0950123, MeSH D030342.

Allele frequency attached by ClinVar (database versions not stated): gnomAD exomes 0.00002; ExAC 0.00003; gnomAD 0.00004; TOPMed 0.00005.
gnomAD v4.1: 43 of 1,614,034 alleles (0.0027%); highest among the groups gnomAD compares: East Asian, 0.025%; no homozygotes.

Submissions (3):

Women's Health and Genetics/Laboratory Corporation of America, LabCorp
Classification: Uncertain significance. Last evaluated: 2026-06-15. Review status: criteria provided, single submitter. Criteria: LabCorp Variant Classification Summary - May 2015. Collection method: clinical testing. Allele origin: germline.
Comment: Variant summary: DST c.658C>T (p.Arg220Cys) results in a non-conservative amino acid change in the encoded protein sequence. Algorithms developed to predict the effect of missense changes on protein structure and function are either unavailable or do not agree on the potential impact of this missense change. The variant allele was found at a frequency of 2.4e-05 in 251366 control chromosomes. The available data on variant occurrences in the general population are insufficient to allow any conclusion about variant significance. To our knowledge, no occurrence of c.658C>T in individuals affected with DST-related conditions and no experimental evidence demonstrating its impact on protein function have been reported. ClinVar contains an entry for this variant (Variation ID: 643670). Based on the evidence outlined above, the variant was classified as uncertain significance.

Labcorp Genetics (formerly Invitae), Labcorp
Classification: Uncertain significance for Epidermolysis bullosa simplex 3, localized or generalized intermediate, with BP230 deficiency; Hereditary sensory and autonomic neuropathy type 6. Last evaluated: 2022-08-15. Review status: criteria provided, single submitter. Criteria: Invitae Variant Classification Sherloc (09022015). Collection method: clinical testing. Allele origin: germline.
Comment: This sequence change replaces arginine, which is basic and polar, with cysteine, which is neutral and slightly polar, at codon 220 of the DST protein (p.Arg220Cys). This variant is present in population databases (rs758942872, gnomAD 0.02%). This variant has not been reported in the literature in individuals affected with DST-related conditions. ClinVar contains an entry for this variant (Variation ID: 643670). Algorithms developed to predict the effect of missense changes on protein structure and function output the following: SIFT: "Deleterious"; PolyPhen-2: "Benign"; Align-GVGD: "Class C65". The cysteine amino acid residue is found in multiple mammalian species, which suggests that this missense change does not adversely affect protein function. In summary, the available evidence is currently insufficient to determine the role of this variant in disease. Therefore, it has been classified as a Variant of Uncertain Significance.

Ambry Genetics
Classification: Uncertain significance for Inborn genetic diseases. Last evaluated: 2019-11-14. Review status: criteria provided, single submitter. Criteria: Ambry Variant Classification Scheme 2023. Collection method: clinical testing. Allele origin: germline.
Comment: The p.R724C variant (also known as c.2170C>T), located in coding exon 17 of the DST gene, results from a C to T substitution at nucleotide position 2170. The arginine at codon 724 is replaced by cysteine, an amino acid with highly dissimilar properties. This amino acid position is not well conserved in available vertebrate species. In addition, the in silico prediction for this alteration is inconclusive. Since supporting evidence is limited at this time, the clinical significance of this alteration remains unclear.